The following is an entry in ClinVar:

ClinVar aggregate classification (germline): Uncertain significance. Review status: criteria provided, multiple submitters, no conflicts (2 of 4 stars). 3 submissions from 3 submitters: Uncertain significance (3). Last evaluated 2026-01-23.

Allele frequency attached by ClinVar (database versions not stated): ExAC 0.00001; gnomAD exomes 0.00002 and 0.00007; TOPMed 0.00005; gnomAD 0.00010 and 0.00011.
gnomAD v4.1: 81 of 1,210,304 alleles (0.0067%); highest among the groups gnomAD compares: Non-Finnish European, 0.0088%; no homozygotes.

Submissions (3):

Women's Health and Genetics/Laboratory Corporation of America, LabCorp
Classification: Uncertain significance. Last evaluated: 2026-01-23. Review status: criteria provided, single submitter. Criteria: LabCorp Variant Classification Summary - May 2015. Collection method: clinical testing. Allele origin: germline.

Labcorp Genetics (formerly Invitae), Labcorp
Classification: Uncertain significance. Last evaluated: 2025-08-31. Review status: criteria provided, single submitter. Criteria: Invitae Variant Classification Sherloc (09022015). Collection method: clinical testing. Allele origin: germline.
Comment: This sequence change replaces glycine, which is neutral and non-polar, with aspartic acid, which is acidic and polar, at codon 592 of the SH3KBP1 protein (p.Gly592Asp). This variant is present in population databases (rs760642189, gnomAD 0.007%). This variant has not been reported in the literature in individuals affected with SH3KBP1-related conditions. ClinVar contains an entry for this variant (Variation ID: 1460697). Invitae Evidence Modeling of protein sequence and biophysical properties (such as structural, functional, and spatial information, amino acid conservation, physicochemical variation, residue mobility, and thermodynamic stability) indicates that this missense variant is not expected to disrupt SH3KBP1 protein function with a negative predictive value of 80%. In summary, the available evidence is currently insufficient to determine the role of this variant in disease. Therefore, it has been classified as a Variant of Uncertain Significance.

Ambry Genetics
Classification: Uncertain significance. Last evaluated: 2024-09-04. Review status: criteria provided, single submitter. Criteria: Ambry Variant Classification Scheme 2023. Collection method: clinical testing. Allele origin: germline.

NM_031892.3(SH3KBP1):c.1775G>A (p.Gly592Asp)

Gene: SH3KBP1 (SH3 domain containing kinase binding protein 1; minus strand). Cytogenetic location: Xp22.12.
Variant type: single nucleotide variant.
Coding change: c.1775G>A on transcript NM_031892.3 (MANE Select); coding-DNA position 1775, G replaced by A.
Protein change: p.Gly592Asp; replaces glycine 592 with aspartic acid.
Molecular consequence: missense variant.
Genome position (GRCh38, 1-based): chrX:19,542,042, C>T on the plus strand (G>A on the coding strand, the complement: SH3KBP1 is on the minus strand). VCF-style: chrX-19542042-C-T. GRCh37 (hg19) VCF-style: chrX-19560160-C-T.
Other names: c.1664G>A, p.Gly555Asp (NM_001024666.3); c.1061G>A, p.Gly354Asp (NM_001184960.2); c.1646G>A, p.Gly549Asp (NM_001353890.2); c.1850G>A, p.Gly617Asp (NM_001353891.2); c.1721G>A, p.Gly574Asp (NM_001353892.2); c.1673G>A, p.Gly558Asp (NM_001353893.2); c.1544G>A, p.Gly515Asp (NM_001353894.2); c.1601G>A, p.Gly534Asp (NM_001353895.2); and 2 more; short protein forms G515D, G534D, G311D, G354D, G555D, G592D, G617D, G558D.
Identifiers: ClinVar variation 1460697 (VCV001460697.9), dbSNP rs760642189, ClinGen allele CA10364448.